The following is an entry in ClinVar:

NM_032119.4(ADGRV1):c.7382C>T (p.Pro2461Leu)

Gene: ADGRV1 (adhesion G protein-coupled receptor V1; plus strand). Cytogenetic location: 5q14.3.
Variant type: single nucleotide variant.
Coding change: c.7382C>T on transcript NM_032119.4 (MANE Select); coding-DNA position 7382, C replaced by T.
Protein change: p.Pro2461Leu; replaces proline 2461 with leucine.
Molecular consequence: missense variant. On other transcripts: non-coding transcript variant (1).
Genome position (GRCh38, 1-based): chr5:90,694,138, C>T. VCF-style: chr5-90694138-C-T. GRCh37 (hg19) VCF-style: chr5-89989955-C-T.
Other names: short protein forms P2461L.
Identifiers: ClinVar variation 1342825 (VCV001342825.8), dbSNP rs560465803, ClinGen allele CA3340021.
Genomic context (GRCh38, chr5:90,694,138, plus strand): 5'-CTTTGTGCCTTAAGGAACAAGCTTGCTCAGCGTTTTCATTTTTCAGTGCTTCTGAGGGTC[C>T]CCAGTGTTTCTGGATGACATCATGGATCAGCCCAGCTGTCAACAATTCAGACTTCTGGAC-3'
Protein context (NP_115495.3, residues 2451-2471): AFSFFSASEG[Pro2461Leu]QCFWMTSWIS

ClinVar aggregate classification (germline): Conflicting classifications of pathogenicity. Review status: criteria provided, conflicting classifications (1 of 4 stars). 4 submissions from 4 submitters: Uncertain significance (3); Benign (1). Last evaluated 2026-01-06.

Conditions:
ADGRV1-related disorder. Also called: ADGRV1-related condition; ADGRV1-related disorders.
Inborn genetic diseases. Identifiers: MedGen C0950123, MeSH D030342.

Allele frequency attached by ClinVar (database versions not stated): gnomAD 0.00002 and 0.00001; gnomAD exomes 0.00002 and 0.00003; ExAC 0.00003; 1000 Genomes Project 30x 0.00016; 1000 Genomes Project 0.00020; TOPMed below 0.00001.
gnomAD v4.1: 13 of 1,613,756 alleles (0.00081%); highest among the groups gnomAD compares: East Asian, 0.027%; no homozygotes.

Submissions (4):

PreventionGenetics, part of Exact Sciences
Classification: Uncertain significance for ADGRV1-related condition. Last evaluated: 2026-01-06. Review status: criteria provided, single submitter. Criteria: ACMG Guidelines, 2015. Collection method: clinical testing. Allele origin: germline.
Comment: The ADGRV1 c.7382C>T variant is predicted to result in the amino acid substitution p.Pro2461Leu. To our knowledge, this variant has not been reported in the literature. This variant is reported in 0.039% of alleles in individuals of East Asian descent in gnomAD. At this time, the clinical significance of this variant is uncertain due to the absence of conclusive functional and genetic evidence.

Labcorp Genetics (formerly Invitae), Labcorp
Classification: Benign. Last evaluated: 2025-12-14. Review status: criteria provided, single submitter. Criteria: Invitae Variant Classification Sherloc (09022015). Collection method: clinical testing. Allele origin: germline.

GeneDx
Classification: Uncertain significance. Last evaluated: 2022-02-25. Review status: criteria provided, single submitter. Criteria: GeneDx Variant Classification Process June 2021. Collection method: clinical testing. Allele origin: germline. Affected: yes.
Comment: In silico analysis supports that this missense variant has a deleterious effect on protein structure/function; Has not been previously published as pathogenic or benign to our knowledge

Ambry Genetics
Classification: Uncertain significance for Inborn genetic diseases. Last evaluated: 2022-02-03. Review status: criteria provided, single submitter. Criteria: Ambry Variant Classification Scheme 2023. Collection method: clinical testing. Allele origin: germline.